The following is an entry in ClinVar:

NM_000057.4(BLM):c.615G>A (p.Lys205=)

Gene: BLM (BLM RecQ like helicase; plus strand). Cytogenetic location: 15q26.1.
Variant type: single nucleotide variant.
Coding change: c.615G>A on transcript NM_000057.4 (MANE Select); coding-DNA position 615, G replaced by A.
Protein change: p.Lys205=; no amino-acid change (lysine 205 retained).
Molecular consequence: synonymous variant. On other transcripts: 5 prime UTR variant (1).
Genome position (GRCh38, 1-based): chr15:90,749,883, G>A. VCF-style: chr15-90749883-G-A. GRCh37 (hg19) VCF-style: chr15-91293113-G-A.
Other names: p.K205K:AAG>AAA; c.-677G>A (NM_001287248.2); c.615G>A (LRG_20t1); c.615G>A, p.Lys205= (NM_001287246.2, NM_001287247.2).
Identifiers: ClinVar variation 136509 (VCV000136509.33), dbSNP rs28903082, ClinGen allele CA289689.

ClinVar aggregate classification (germline): Benign/Likely benign. Review status: criteria provided, multiple submitters, no conflicts (2 of 4 stars). 10 submissions from 10 submitters: Benign (6); Likely benign (3). 1 of the submissions does not count toward it. Last evaluated 2026-02-03.

Conditions:
Hereditary cancer-predisposing syndrome. Also called: Tumor predisposition; Hereditary neoplastic syndrome; Neoplastic Syndromes, Hereditary; Hereditary Cancer Syndrome. Identifiers: Orphanet 140162, MedGen C0027672, MeSH D009386, MONDO:0015356.
Bloom syndrome (BLM). Also called: Bloom-Torre-Machacek syndrome. Identifiers: Orphanet 125, MedGen C0005859, MONDO:0008876, OMIM 210900.

Allele frequency attached by ClinVar (database versions not stated): 1000 Genomes Project 0.00559; ESP Exome Variant Server 0.00577; gnomAD exomes 0.00128; ExAC 0.00163; gnomAD 0.00454 and 0.00496; TOPMed 0.00494; 1000 Genomes Project 30x 0.00515.
gnomAD v4.1: 1,390 of 1,611,530 alleles (0.086%); highest among the groups gnomAD compares: African/African-American, 1.7%; 9 homozygotes.

Submissions (10):

Labcorp Genetics (formerly Invitae), Labcorp
Classification: Benign for Bloom syndrome. Last evaluated: 2026-02-03. Review status: criteria provided, single submitter. Criteria: Invitae Variant Classification Sherloc (09022015). Collection method: clinical testing. Allele origin: germline.

Quest Diagnostics Nichols Institute San Juan Capistrano
Classification: Benign. Last evaluated: 2025-05-23. Review status: criteria provided, single submitter. Criteria: Quest Diagnostics criteria. Collection method: clinical testing. Allele origin: unknown.

Blueprint Genetics
Classification: Likely benign. Last evaluated: 2024-11-26. Review status: criteria provided, single submitter. Criteria: ACMG Guidelines, 2015. Collection method: clinical testing. Allele origin: germline.

KCCC/NGS Laboratory, Kuwait Cancer Control Center
Classification: Benign for Bloom syndrome. Last evaluated: 2023-07-07. Review status: criteria provided, single submitter. Criteria: ACMG Guidelines, 2015. Collection method: clinical testing. Allele origin: germline. Affected: yes.

Genetic Services Laboratory, University of Chicago
Classification: Benign. Last evaluated: 2019-04-25. Review status: criteria provided, single submitter. Criteria: ACMG Guidelines, 2015. Collection method: clinical testing. Allele origin: germline. Affected: no.

Women's Health and Genetics/Laboratory Corporation of America, LabCorp
Classification: Benign. Last evaluated: 2018-08-13. Review status: criteria provided, single submitter. Criteria: LabCorp Variant Classification Summary - May 2015. Collection method: clinical testing. Allele origin: germline.
Comment: Variant summary: BLM c.615G>A alters a non-conserved nucleotide resulting in a synonymous change. 5/5 computational tools predict no significant impact on normal splicing. However, these predictions have yet to be confirmed by functional studies. The variant allele was found at a frequency of 0.0016 in 276156 control chromosomes, predominantly within the African subpopulation at a frequency of 0.017 in the gnomAD database, including 3 homozygotes. The observed variant frequency within African control individuals in the gnomAD database is approximately 4.8 fold of the estimated maximal expected allele frequency for a pathogenic variant in BLM causing Bloom Syndrome phenotype (0.0035), strongly suggesting that the variant is a benign polymorphism found primarily in populations of African origin. To our knowledge, no occurrence of c.615G>A in individuals affected with Bloom Syndrome and no experimental evidence demonstrating its impact on protein function have been reported. Three clinical diagnostic laboratories have submitted clinical-significance assessments for this variant to ClinVar after 2014 without evidence for independent evaluation. All laboratories classified the variant as benign/likely benign. Based on the evidence outlined above, the variant was classified as benign.

Ambry Genetics
Classification: Likely benign for Hereditary cancer-predisposing syndrome. Last evaluated: 2016-11-25. Review status: criteria provided, single submitter. Criteria: Ambry Variant Classification Scheme 2023. Collection method: clinical testing. Allele origin: germline.

GeneDx
Classification: Benign. Last evaluated: 2014-01-06. Review status: criteria provided, single submitter. Criteria: GeneDx Variant Classification (06012015). Collection method: clinical testing. Allele origin: germline. Affected: yes.
Comment: This variant is considered likely benign or benign based on one or more of the following criteria: it is a conservative change, it occurs at a poorly conserved position in the protein, it is predicted to be benign by multiple in silico algorithms, and/or has population frequency not consistent with disease.

Breakthrough Genomics
Classification: Likely benign. Review status: criteria provided, single submitter. Criteria: ACMG Guidelines, 2015. Collection method: not provided. Allele origin: germline. Inheritance: Autosomal recessive inheritance. Affected: yes.

Natera, Inc.
Classification: Likely benign for Bloom syndrome. Last evaluated: 2017-04-25. Review status: no assertion criteria provided. Collection method: clinical testing. Allele origin: germline. Not counted in ClinVar's aggregate classification.

Literature cited by the submitters: PubMed 36315513 (cited by Quest Diagnostics Nichols Institute San Juan Capistrano).